The following is an entry in ClinVar:

NM_182914.3(SYNE2):c.11001T>C (p.Ala3667=)

Gene: SYNE2 (spectrin repeat containing nuclear envelope protein 2; plus strand). Cytogenetic location: 14q23.2.
Variant type: single nucleotide variant.
Coding change: c.11001T>C on transcript NM_182914.3 (MANE Select); coding-DNA position 11001, T replaced by C.
Protein change: p.Ala3667=; no amino-acid change (alanine 3667 retained).
Molecular consequence: synonymous variant.
Genome position (GRCh38, 1-based): chr14:64,076,079, T>C. VCF-style: chr14-64076079-T-C. GRCh37 (hg19) VCF-style: chr14-64542797-T-C.
Other names: c.11001T>C, p.Ala3667= (NM_015180.6).
Identifiers: ClinVar variation 2644291 (VCV002644291.24), dbSNP rs1228189634, ClinGen allele CA486694802.

ClinVar aggregate classification (germline): Likely benign (1 of 4 stars; one submission).

Submission:

CeGaT Center for Human Genetics Tuebingen
Classification: Likely benign. Last evaluated: 2022-11-01. Review status: criteria provided, single submitter. Criteria: CeGaT Center For Human Genetics Tuebingen Variant Classification Criteria Version 2. Collection method: clinical testing. Allele origin: germline. Affected: yes. Observed: 1 variant allele.
Comment: SYNE2: PM2:Supporting, BP4, BP7